The following is an entry in ClinVar:

NM_024426.6(WT1):c.985A>G (p.Ser329Gly)

Gene: WT1 (WT1 transcription factor; minus strand). Cytogenetic location: 11p13.
Variant type: single nucleotide variant.
Coding change: c.985A>G on transcript NM_024426.6 (MANE Select); coding-DNA position 985, A replaced by G.
Protein change: p.Ser329Gly; replaces serine 329 with glycine.
Molecular consequence: missense variant. On other transcripts: non-coding transcript variant (1), intron variant (6).
Genome position (GRCh38, 1-based): chr11:32,416,521, T>C on the plus strand (A>G on the coding strand, the complement: WT1 is on the minus strand). VCF-style: chr11-32416521-T-C. GRCh37 (hg19) VCF-style: chr11-32438067-T-C.
Other names: c.970A>G (NM_024426.4); c.334A>G, p.Ser112Gly (NM_001198551.2); c.985A>G, p.Ser329Gly (NM_001407044.1, NM_001407046.1, NM_024424.5); c.862A>G, p.Ser288Gly (NM_001407047.1); c.223A>G, p.Ser75Gly (NM_001407051.1); c.842+1056A>G (NM_001407050.1); c.965+1056A>G (NM_001407048.1, NM_001407049.1, NM_000378.6 and 1 more transcripts); c.314+1056A>G (NM_001198552.2); short protein forms S324G, S75G, S112G, S288G, S329G.
Identifiers: ClinVar variation 2939356 (VCV002939356.4), dbSNP rs1852676434, ClinGen allele CA379961813.
Genomic context (GRCh38, chr11:32,416,521, plus strand): 5'-GCTTTGCCATCTCCGCATTGTCCACTCACTTGCTCTGCCCTTCTGTCCATTTCACTGAGC[T>C]GGAGCTCCCAGCAGCAACTCTAGAAAAGAAGAAGAGGTGGGGAGTGGGGAATGGAGCATG-3'
Protein context (NP_077744.4, residues 319-339): TLKGVAAGSS[Ser329Gly]SVKWTEGQSN

ClinVar aggregate classification (germline): Uncertain significance. Review status: criteria provided, multiple submitters, no conflicts (2 of 4 stars). 2 submissions from 2 submitters: Uncertain significance (2). Last evaluated 2025-01-30.

Conditions:
Frasier syndrome. Identifiers: Orphanet 347, MedGen C0950122, MeSH D052159, MONDO:0007635, OMIM 136680.
Drash syndrome (DDS). Also called: NEPHROPATHY, WILMS TUMOR, AND GENITAL ANOMALIES; WILMS TUMOR AND PSEUDO- OR TRUE HERMAPHRODITISM. Identifiers: Orphanet 220, MedGen C0950121, MONDO:0008682, OMIM 194080.
Wilms tumor 1 (WT1). Also called: Wilms tumor, somatic. Identifiers: Orphanet 654, MedGen CN033288, MONDO:0008679, OMIM 194070.
11p partial monosomy syndrome (WAGR). Also called: CHROMOSOME 11p13 DELETION SYNDROME; WAGR syndrome; WAGR Complex; WAGR Spectrum Disorder. Identifiers: Orphanet 893, MedGen C0206115, MONDO:0008681, OMIM 194072.
Inborn genetic diseases. Identifiers: MedGen C0950123, MeSH D030342.

Allele frequency attached by ClinVar (database versions not stated): TOPMed below 0.00001.

Submissions (2):

Ambry Genetics
Classification: Uncertain significance for Inborn genetic diseases. Last evaluated: 2025-01-30. Review status: criteria provided, single submitter. Criteria: Ambry Variant Classification Scheme 2023. Collection method: clinical testing. Allele origin: germline.
Comment: The p.S324G variant (also known as c.970A>G), located in coding exon 5 of the WT1 gene, results from an A to G substitution at nucleotide position 970. The serine at codon 324 is replaced by glycine, an amino acid with similar properties. This amino acid position is highly conserved in available vertebrate species. In addition, this alteration is predicted to be tolerated by in silico analysis. Based on the available evidence, the clinical significance of this variant remains unclear.

Labcorp Genetics (formerly Invitae), Labcorp
Classification: Uncertain significance for Wilms tumor 1; Drash syndrome; 11p partial monosomy syndrome; Frasier syndrome. Last evaluated: 2022-12-03. Review status: criteria provided, single submitter. Criteria: Invitae Variant Classification Sherloc (09022015). Collection method: clinical testing. Allele origin: germline.
Comment: This sequence change replaces serine, which is neutral and polar, with glycine, which is neutral and non-polar, at codon 324 of the WT1 protein (p.Ser324Gly). This variant is not present in population databases (gnomAD no frequency). This variant has not been reported in the literature in individuals affected with WT1-related conditions. Algorithms developed to predict the effect of missense changes on protein structure and function are either unavailable or do not agree on the potential impact of this missense change (SIFT: "Deleterious"; PolyPhen-2: "Possibly Damaging"; Align-GVGD: "Class C0"). In summary, the available evidence is currently insufficient to determine the role of this variant in disease. Therefore, it has been classified as a Variant of Uncertain Significance.